The following is an entry in ClinVar:

NM_005476.7(GNE):c.1949G>A (p.Gly650Asp)

Gene: GNE (glucosamine (UDP-N-acetyl)-2-epimerase/N-acetylmannosamine kinase; minus strand). Cytogenetic location: 9p13.3.
Variant type: single nucleotide variant.
Coding change: c.1949G>A on transcript NM_005476.7 (MANE Select); coding-DNA position 1949, G replaced by A.
Protein change: p.Gly650Asp; replaces glycine 650 with aspartic acid.
Molecular consequence: missense variant.
Genome position (GRCh38, 1-based): chr9:36,217,585, C>T on the plus strand (G>A on the coding strand, the complement: GNE is on the minus strand). VCF-style: chr9-36217585-C-T. GRCh37 (hg19) VCF-style: chr9-36217582-C-T.
Other names: c.2042G>A, p.Gly681Asp (NM_001128227.3); c.1727G>A, p.Gly576Asp (NM_001190383.3); c.1619G>A, p.Gly540Asp (NM_001190384.3); c.1772G>A, p.Gly591Asp (NM_001190388.2, NM_001374798.1); c.1796G>A, p.Gly599Asp (NM_001374797.1); short protein forms G540D, G576D, G591D, G599D, G650D, G681D.
Identifiers: ClinVar variation 1019654 (VCV001019654.8), dbSNP rs1299435942, ClinGen allele CA373424803.

ClinVar aggregate classification (germline): Uncertain significance. Review status: criteria provided, multiple submitters, no conflicts (2 of 4 stars). 3 submissions from 3 submitters: Uncertain significance (2). 1 of the submissions does not count toward it. Last evaluated 2025-09-30.

Conditions:
GNE myopathy (NM). Also called: MYOPATHY, DISTAL, WITH OR WITHOUT RIMMED VACUOLES; IBM 2; Inclusion body myopathy autosomal recessive; Inclusion body myopathy quadriceps sparing; INCLUSION BODY MYOPATHY, HEREDITARY, AUTOSOMAL RECESSIVE; INCLUSION BODY MYOPATHY 2, AUTOSOMAL RECESSIVE. Identifiers: Orphanet 602, MedGen C1853926, MONDO:0011603, OMIM 605820.
Sialuria. Also called: Sialic Acid Storage Disease; SIALURIA, FRENCH TYPE. Identifiers: Orphanet 3166, MedGen C0342853, MONDO:0010028, OMIM 269921.

Allele frequency attached by ClinVar (database versions not stated): gnomAD exomes below 0.00001.
gnomAD v4.1: 3 of 1,612,666 alleles (0.00019%); highest among the groups gnomAD compares: East Asian, 0.0022%; no homozygotes.

Submissions (3):

Myriad Genetics, Inc.
Classification: Uncertain significance for GNE myopathy. Last evaluated: 2025-09-30. Review status: criteria provided, single submitter. Criteria: Myriad Autosomal Dominant, Autosomal Recessive and X-Linked Classification Criteria (2023). Collection method: clinical testing. Allele origin: unknown.
Comment: NM_001128227.2(GNE):c.2042G>A(G681D) is a missense variant classified as a variant of uncertain significance in the context of GNE myopathy. G681D has been observed in a case with relevant disease (PMID: 38544359). Relevant functional assessments of this variant are not available in the literature. G681D has been observed in referenced population frequency databases. In summary, there is insufficient evidence to classify NM_001128227.2(GNE):c.2042G>A(G681D) as pathogenic or benign. Please note: this variant was assessed in the context of healthy population screening.

Labcorp Genetics (formerly Invitae), Labcorp
Classification: Uncertain significance for Sialuria; GNE myopathy. Last evaluated: 2021-09-01. Review status: criteria provided, single submitter. Criteria: Invitae Variant Classification Sherloc (09022015). Collection method: clinical testing. Allele origin: germline.
Comment: This sequence change replaces glycine with aspartic acid at codon 681 of the GNE protein (p.Gly681Asp). The glycine residue is highly conserved and there is a moderate physicochemical difference between glycine and aspartic acid. This variant is not present in population databases (ExAC no frequency). This variant has not been reported in the literature in individuals affected with GNE-related conditions. Algorithms developed to predict the effect of missense changes on protein structure and function are either unavailable or do not agree on the potential impact of this missense change (SIFT: "Deleterious"; PolyPhen-2: "Probably Damaging"; Align-GVGD: "Class C0"). In summary, the available evidence is currently insufficient to determine the role of this variant in disease. Therefore, it has been classified as a Variant of Uncertain Significance.

Natera, Inc.
Classification: Uncertain significance for Nonaka myopathy. Last evaluated: 2021-09-09. Review status: no assertion criteria provided. Collection method: clinical testing. Allele origin: germline. Not counted in ClinVar's aggregate classification.

Literature cited by the submitters: PubMed 38544359 (cited by Myriad Genetics, Inc.).